The following is an entry in ClinVar:

ClinVar aggregate classification (germline): Likely benign (1 of 4 stars; one submission).

gnomAD v4.1: 2,566 of 1,547,406 alleles (0.17%); highest among the groups gnomAD compares: South Asian, 0.16%; 5 homozygotes.

Submission:

CeGaT Center for Human Genetics Tuebingen
Classification: Likely benign. Last evaluated: 2025-08-01. Review status: criteria provided, single submitter. Criteria: CeGaT Center For Human Genetics Tuebingen Variant Classification Criteria Version 2. Collection method: clinical testing. Allele origin: germline. Affected: yes. Observed: 1 variant allele.
Comment: DACT2: BP4, BS2

NM_214462.5(DACT2):c.380-6G>A

Gene: DACT2 (dishevelled binding antagonist of beta catenin 2; minus strand). Cytogenetic location: 6q27.
Variant type: single nucleotide variant.
Coding change: c.380-6G>A on transcript NM_214462.5 (MANE Select); 6 bases into the intron before coding-DNA position 380, G replaced by A.
Molecular consequence: intron variant.
Genome position (GRCh38, 1-based): chr6:168,310,452, C>T on the plus strand (G>A on the coding strand, the complement: DACT2 is on the minus strand). VCF-style: chr6-168310452-C-T. GRCh37 (hg19) VCF-style: chr6-168711132-C-T.
Other names: c.380-6G>A (NM_001286351.2); c.-7-130G>A (NM_001286350.2).
Identifiers: ClinVar variation 4083657 (VCV004083657.8).